The following is an entry in ClinVar:

ClinVar aggregate classification (germline): Uncertain significance (1 of 4 stars; one submission).

Conditions:
Baller-Gerold syndrome (BGS). Also called: CRANIOSYNOSTOSIS WITH RADIAL DEFECTS. Identifiers: Orphanet 1225, MedGen C0265308, MONDO:0009039, OMIM 218600.

gnomAD v4.1: 1 of 1,585,706 alleles (0.000063%); highest among the groups gnomAD compares: East Asian, 0.0023%; no homozygotes.

Submission:

Labcorp Genetics (formerly Invitae), Labcorp
Classification: Uncertain significance for Baller-Gerold syndrome. Last evaluated: 2024-04-29. Review status: criteria provided, single submitter. Criteria: Invitae Variant Classification Sherloc (09022015). Collection method: clinical testing. Allele origin: germline.
Comment: This sequence change replaces histidine, which is basic and polar, with tyrosine, which is neutral and polar, at codon 815 of the RECQL4 protein (p.His815Tyr). This variant is not present in population databases (gnomAD no frequency). This variant has not been reported in the literature in individuals affected with RECQL4-related conditions. ClinVar contains an entry for this variant (Variation ID: 406978). Advanced modeling of protein sequence and biophysical properties (such as structural, functional, and spatial information, amino acid conservation, physicochemical variation, residue mobility, and thermodynamic stability) performed at Invitae indicates that this missense variant is expected to disrupt RECQL4 protein function with a positive predictive value of 80%. In summary, the available evidence is currently insufficient to determine the role of this variant in disease. Therefore, it has been classified as a Variant of Uncertain Significance.

NM_004260.4(RECQL4):c.2443C>T (p.His815Tyr)

Gene: RECQL4 (RecQ like helicase 4; minus strand). Cytogenetic location: 8q24.3.
Variant type: single nucleotide variant.
Coding change: c.2443C>T on transcript NM_004260.4 (MANE Select); coding-DNA position 2443, C replaced by T.
Protein change: p.His815Tyr; replaces histidine 815 with tyrosine.
Molecular consequence: missense variant.
Genome position (GRCh38, 1-based): chr8:144,513,238, G>A on the plus strand (C>T on the coding strand, the complement: RECQL4 is on the minus strand). VCF-style: chr8-144513238-G-A. GRCh37 (hg19) VCF-style: chr8-145738621-G-A.
Other names: short protein forms H815Y.
Identifiers: ClinVar variation 406978 (VCV000406978.9), dbSNP rs1060501371, ClinGen allele CA16612333.
Genomic context (GRCh38, chr8:144,513,238, plus strand): 5'-GGGCTCGAGCACTGGCAGTGTGGGGGGGGGGGGTGCCAACCTGGGGCTGCAGGAAGAGGT[G>A]GCAGTGGGCAGGCTGCCCGTCACGCCCGGCCCGGCCCACGGCCTGCACGTAGCTCTCGAA-3'
Protein context (NP_004251.4, residues 805-825): AGRDGQPAHC[His815Tyr]LFLQPQGEDL